The following is an entry in ClinVar:

NM_001160372.4(TRAPPC9):c.1530T>C (p.Tyr510=)

Gene: TRAPPC9 (trafficking protein particle complex subunit 9; minus strand). Cytogenetic location: 8q24.3.
Variant type: single nucleotide variant.
Coding change: c.1530T>C on transcript NM_001160372.4 (MANE Select); coding-DNA position 1530, T replaced by C.
Protein change: p.Tyr510=; no amino-acid change (tyrosine 510 retained).
Molecular consequence: synonymous variant. On other transcripts: non-coding transcript variant (1).
Genome position (GRCh38, 1-based): chr8:140,311,340, A>G on the plus strand (T>C on the coding strand, the complement: TRAPPC9 is on the minus strand). VCF-style: chr8-140311340-A-G. GRCh37 (hg19) VCF-style: chr8-141321439-A-G.
Other names: c.1503T>C, p.Tyr501= (NM_001321646.2); c.1551T>C, p.Tyr517= (NM_001374682.1); c.1530T>C, p.Tyr510= (NM_001374683.1, NM_031466.8); c.1386T>C, p.Tyr462= (NM_001374684.1).
Identifiers: ClinVar variation 2969193 (VCV002969193.21), dbSNP rs780119742, ClinGen allele CA4893419.
Genomic context (GRCh38, chr8:140,311,340, plus strand): 5'-TGGCAGGGTGAGGCCGCCAGGGAGGGCGATGGGCTCCATGGTCCCAGGACACTTGGACGT[A>G]TAGTTCTCTAGGCTTTGGGCCACATCTTTCTTTTCTGAAGAGAAGATGAAAACAAAATAA-3'
Protein context (NP_001153844.1, residues 500-520): KKDVAQSLEN[Tyr510=]TSKCPGTMEP

ClinVar aggregate classification (germline): Likely benign. Review status: criteria provided, multiple submitters, no conflicts (2 of 4 stars). 2 submissions from 2 submitters: Likely benign (2). Last evaluated 2025-11-01.

Allele frequency attached by ClinVar (database versions not stated): ExAC 0.00002; TOPMed 0.00005; gnomAD 0.00006; gnomAD exomes 0.00008.
gnomAD v4.1: 127 of 1,613,918 alleles (0.0079%); highest among the groups gnomAD compares: Non-Finnish European, 0.0098%; no homozygotes.

Submissions (2):

CeGaT Center for Human Genetics Tuebingen
Classification: Likely benign. Last evaluated: 2025-11-01. Review status: criteria provided, single submitter. Criteria: CeGaT Center For Human Genetics Tuebingen Variant Classification Criteria Version 2. Collection method: clinical testing. Allele origin: germline. Affected: yes. Observed: 4 variant alleles.
Comment: TRAPPC9: BP4, BP7

Labcorp Genetics (formerly Invitae), Labcorp
Classification: Likely benign. Last evaluated: 2023-11-11. Review status: criteria provided, single submitter. Criteria: Invitae Variant Classification Sherloc (09022015). Collection method: clinical testing. Allele origin: germline.